The following is an entry in ClinVar:

ClinVar aggregate classification (germline): Likely benign (1 of 4 stars; one submission).

Allele frequency attached by ClinVar (database versions not stated): gnomAD exomes below 0.00001.
gnomAD v4.1: 1 of 1,607,672 alleles (0.000062%); highest among the groups gnomAD compares: Non-Finnish European, 0.000085%; no homozygotes.

Submission:

GeneDx
Classification: Likely benign. Last evaluated: 2016-09-13. Review status: criteria provided, single submitter. Criteria: GeneDx Variant Classification (06012015). Collection method: clinical testing. Allele origin: germline. Affected: yes.
Comment: This variant is considered likely benign or benign based on one or more of the following criteria: it is a conservative change, it occurs at a poorly conserved position in the protein, it is predicted to be benign by multiple in silico algorithms, and/or has population frequency not consistent with disease.

NM_001042492.3(NF1):c.1845+14C>T

Gene: NF1 (neurofibromin 1; plus strand). Cytogenetic location: 17q11.2.
Variant type: single nucleotide variant.
Coding change: c.1845+14C>T on transcript NM_001042492.3 (MANE Select); 14 bases into the intron after coding-DNA position 1845, C replaced by T.
Molecular consequence: intron variant.
Genome position (GRCh38, 1-based): chr17:31,223,581, C>T. VCF-style: chr17-31223581-C-T. GRCh37 (hg19) VCF-style: chr17-29550599-C-T.
Other names: c.1845+14C>T (NM_000267.4).
Identifiers: ClinVar variation 389300 (VCV000389300.1), dbSNP rs1057523395, ClinGen allele CA16607561.